The following is an entry in ClinVar:

ClinVar aggregate classification (germline): Benign. Review status: criteria provided, multiple submitters, no conflicts (2 of 4 stars). 3 submissions from 2 submitters: Benign (3). Last evaluated 2018-01-12.

Conditions:
Chondrocalcinosis 2. Also called: CALCIUM GOUT; CALCIUM PYROPHOSPHATE ARTHROPATHY; Familial calcium pyrophosphate deposition. Identifiers: Orphanet 1416, MedGen C0856830, MONDO:0007319, OMIM 118600.
Craniometaphyseal dysplasia, autosomal dominant (CMDD). Identifiers: Orphanet 1522, MedGen C1852502, MONDO:0007397, OMIM 123000.

Allele frequency attached by ClinVar (database versions not stated): 1000 Genomes Project 0.00739; 1000 Genomes Project 30x 0.00765; gnomAD 0.01299 and 0.01320; TOPMed 0.01353; gnomAD exomes 0.01695.
gnomAD v4.1: 6,547 of 419,362 alleles (1.6%); highest among the groups gnomAD compares: Non-Finnish European, 2%; 60 homozygotes.

Submissions (3):

Illumina Laboratory Services, Illumina
Classification: Benign for Craniometaphyseal dysplasia, autosomal dominant. Last evaluated: 2018-01-12. Review status: criteria provided, single submitter. Criteria: ICSL Variant Classification Criteria 13 December 2019. Collection method: clinical testing. Allele origin: germline.
Comment: This variant was observed in the ICSL laboratory as part of a predisposition screen in an ostensibly healthy population. It had not been previously curated by ICSL or reported in the Human Gene Mutation Database (HGMD: prior to June 1st, 2018), and was therefore a candidate for classification through an automated scoring system. Utilizing variant allele frequency, disease prevalence and penetrance estimates, and inheritance mode, an automated score was calculated to assess if this variant is too frequent to cause the disease. Based on the score and internal cut-off values, a variant classified as benign is not then subjected to further curation. The score for this variant resulted in a classification of benign for this disease.

Illumina Laboratory Services, Illumina
Classification: Benign for Chondrocalcinosis 2. Last evaluated: 2018-01-12. Review status: criteria provided, single submitter. Criteria: ICSL Variant Classification Criteria 13 December 2019. Collection method: clinical testing. Allele origin: germline.
Comment: the same text as in the submission from Illumina Laboratory Services, Illumina above.

Breakthrough Genomics
Classification: Benign. Review status: criteria provided, single submitter. Criteria: ACMG Guidelines, 2015. Collection method: not provided. Allele origin: germline. Inheritance: Autosomal dominant inheritance. Affected: yes.

NM_054027.6(ANKH):c.*283C>T

Genes: ANKH (ANKH inorganic pyrophosphate transport regulator; minus strand), OTULIN (OTU deubiquitinase with linear linkage specificity; plus strand). Cytogenetic location: 5p15.2.
Variant type: single nucleotide variant.
Coding change: c.*283C>T on transcript NM_054027.6 (MANE Select); 283 bases downstream of the stop codon, C replaced by T.
Molecular consequence: 3 prime UTR variant.
Genome position (GRCh38, 1-based): chr5:14,710,914, G>A on the plus strand (C>T on the coding strand, the complement: ANKH is on the minus strand). VCF-style: chr5-14710914-G-A. GRCh37 (hg19) VCF-style: chr5-14711023-G-A.
Identifiers: ClinVar variation 351494 (VCV000351494.6), dbSNP rs36072175, ClinGen allele CA10619325.